The following is an entry in ClinVar:

NM_001042492.3(NF1):c.889-5del

Gene: NF1 (neurofibromin 1; plus strand). Cytogenetic location: 17q11.2.
Variant type: Deletion.
Coding change: c.889-5del on transcript NM_001042492.3 (MANE Select); 5 bases into the intron before coding-DNA position 889, one base deleted (T; older notation c.889-5delT).
Molecular consequence: intron variant.
Genome position (GRCh38, 1-based): chr17:31,200,417, T deleted. VCF-style (leftmost placement, unchanged base first): chr17-31200416-CT-C. GRCh37 (hg19) VCF-style: chr17-29527434-CT-C.
Other names: c.889-5delT (NM_000267.3); c.889-5del (NM_000267.4, NM_001128147.3).
Identifiers: ClinVar variation 484091 (VCV000484091.6), dbSNP rs1555610837, ClinGen allele CA658656561.

ClinVar aggregate classification (germline): Uncertain significance (1 of 4 stars; one submission).

Conditions:
Cardiovascular phenotype. Identifiers: MedGen CN230736.
Hereditary cancer-predisposing syndrome. Also called: Neoplastic Syndromes, Hereditary; Tumor predisposition; Hereditary Cancer Syndrome; Hereditary neoplastic syndrome. Identifiers: Orphanet 140162, MedGen C0027672, MeSH D009386, MONDO:0015356.

Submission:

Ambry Genetics
Classification: Uncertain significance for Cardiovascular phenotype; Hereditary cancer-predisposing syndrome. Last evaluated: 2025-04-08. Review status: criteria provided, single submitter. Criteria: Ambry Variant Classification Scheme 2023. Collection method: clinical testing. Allele origin: germline.
Comment: The c.889-5delT intronic variant, located in intron 8 of the NF1 gene, results from a deletion of one nucleotide within intron 8 of the NF1 gene. This nucleotide position is highly conserved in available vertebrate species. Using two different splice site prediction tools, this alteration is predicted by ESEfinder to abolish the native splice acceptor site, but is predicted to weaken (but not abolish) the efficiency of the native splice acceptor site by BDGP; however, direct evidence is unavailable. Since supporting evidence is limited at this time, the clinical significance of this alteration remains unclear.